The following is an entry in ClinVar:

ClinVar aggregate classification (germline): Uncertain significance (1 of 4 stars; one submission).

Allele frequency attached by ClinVar (database versions not stated): gnomAD 0.00003; gnomAD exomes 0.00003; ExAC 0.00006; TOPMed 0.00006.

Submission:

Labcorp Genetics (formerly Invitae), Labcorp
Classification: Uncertain significance. Last evaluated: 2024-01-14. Review status: criteria provided, single submitter. Criteria: Invitae Variant Classification Sherloc (09022015). Collection method: clinical testing. Allele origin: germline.
Comment: This sequence change replaces valine, which is neutral and non-polar, with methionine, which is neutral and non-polar, at codon 22 of the GNRH1 protein (p.Val22Met). This variant is present in population databases (rs749443966, gnomAD 0.02%). This missense change has been observed in individual(s) with hypogonadotropic hypogonadism (PMID: 19567835). This variant is also known as V18M. Experimental studies and prediction algorithms are not available or were not evaluated, and the functional significance of this variant is currently unknown. In summary, the available evidence is currently insufficient to determine the role of this variant in disease. Therefore, it has been classified as a Variant of Uncertain Significance.

Literature cited by the submitters: PubMed 19567835.

NM_001083111.2(GNRH1):c.52G>A (p.Val18Met)

Gene: GNRH1 (gonadotropin releasing hormone 1; minus strand). Cytogenetic location: 8p21.2.
Variant type: single nucleotide variant.
Coding change: c.52G>A on transcript NM_001083111.2 (MANE Select); coding-DNA position 52, G replaced by A.
Protein change: p.Val18Met; replaces valine 18 with methionine.
Molecular consequence: missense variant.
Genome position (GRCh38, 1-based): chr8:25,423,279, C>T on the plus strand (G>A on the coding strand, the complement: GNRH1 is on the minus strand). VCF-style: chr8-25423279-C-T. GRCh37 (hg19) VCF-style: chr8-25280795-C-T.
Other names: c.64G>A, p.Val22Met (NM_000825.3); short protein forms V18M, V22M.
Identifiers: ClinVar variation 2735147 (VCV002735147.3), dbSNP rs749443966, ClinGen allele CA4683673.
Genomic context (GRCh38, chr8:25,423,279, plus strand): 5'-CATCTCTCTTTCCTCCAGGGCGCAGTCCATAGGACCAGTGCTGGCTGGAGCAGCCTTCCA[C>T]GCACCAAGTCAGTAGAATAAGGCCAGCTAGGAGTTTTTGAATTGGCTTCATTCTAAGGCA-3'
Protein context (NP_001076580.1, residues 8-28): LAGLILLTWC[Val18Met]EGCSSQHWSY